The following is an entry in ClinVar:

NM_000744.7(CHRNA4):c.1541A>G (p.Asn514Ser)

Gene: CHRNA4 (cholinergic receptor nicotinic alpha 4 subunit; minus strand). Cytogenetic location: 20q13.33.
Variant type: single nucleotide variant.
Coding change: c.1541A>G on transcript NM_000744.7 (MANE Select); coding-DNA position 1541, A replaced by G.
Protein change: p.Asn514Ser; replaces asparagine 514 with serine.
Molecular consequence: missense variant. On other transcripts: non-coding transcript variant (1).
Genome position (GRCh38, 1-based): chr20:63,349,870, T>C on the plus strand (A>G on the coding strand, the complement: CHRNA4 is on the minus strand). VCF-style: chr20-63349870-T-C. GRCh37 (hg19) VCF-style: chr20-61981222-T-C.
Other names: c.1013A>G, p.Asn338Ser (NM_001256573.2); short protein forms N338S, N514S.
Identifiers: ClinVar variation 3716397 (VCV003716397.2).
Genomic context (GRCh38, chr20:63,349,870, plus strand): 5'-TTGCATGTGCATTTGCACGGAGAGGGCTGGTCTGGGGGTGGGAGCTCAGCCGAGTGGGTG[T>C]TGCGAGAGGCCAGGGCGCCGGCAGCCTGGCCATCTGCCTCGGGGGCGGCATCGTCTCGGG-3'
Protein context (NP_000735.1, residues 504-524): GQAAGALASR[Asn514Ser]THSAELPPPD

ClinVar aggregate classification (germline): Uncertain significance (1 of 4 stars; one submission).

Conditions:
Familial sleep-related hypermotor epilepsy. Also called: Autosomal Dominant Sleep-Related Hypermotor (Hyperkinetic) Epilepsy. Identifiers: Orphanet 98784, MedGen C3696898, MONDO:0000030.

Submission:

Labcorp Genetics (formerly Invitae), Labcorp
Classification: Uncertain significance. Last evaluated: 2024-11-03. Review status: criteria provided, single submitter. Criteria: Invitae Variant Classification Sherloc (09022015). Collection method: clinical testing. Allele origin: germline.
Comment: This sequence change replaces asparagine, which is neutral and polar, with serine, which is neutral and polar, at codon 514 of the CHRNA4 protein (p.Asn514Ser). This variant is not present in population databases (gnomAD no frequency). This variant has not been reported in the literature in individuals affected with CHRNA4-related conditions. Invitae Evidence Modeling of protein sequence and biophysical properties (such as structural, functional, and spatial information, amino acid conservation, physicochemical variation, residue mobility, and thermodynamic stability) indicates that this missense variant is not expected to disrupt CHRNA4 protein function with a negative predictive value of 80%. In summary, the available evidence is currently insufficient to determine the role of this variant in disease. Therefore, it has been classified as a Variant of Uncertain Significance.